The following is an entry in ClinVar:

ClinVar aggregate classification (germline): Uncertain significance. Review status: criteria provided, multiple submitters, no conflicts (2 of 4 stars). 2 submissions from 2 submitters: Uncertain significance (2). Last evaluated 2025-12-21.

Conditions:
Microcephaly, normal intelligence and immunodeficiency (NBS). Also called: Immunodeficiency, microcephaly with normal intelligence; Ataxia telangiectasia variant V1; IMMUNODEFICIENCY, MICROCEPHALY, AND CHROMOSOMAL INSTABILITY; BERLIN BREAKAGE SYNDROME; SEEMANOVA SYNDROME II; Nijmegen breakage syndrome. Identifiers: Orphanet 647, MedGen C0398791, MONDO:0009623, OMIM 251260.
Hereditary cancer-predisposing syndrome. Also called: Neoplastic Syndromes, Hereditary; Hereditary neoplastic syndrome; Tumor predisposition; Hereditary Cancer Syndrome. Identifiers: Orphanet 140162, MedGen C0027672, MeSH D009386, MONDO:0015356.

Allele frequency attached by ClinVar (database versions not stated): gnomAD exomes below 0.00001.
gnomAD v4.1: 1 of 1,589,186 alleles (0.000063%); highest among the groups gnomAD compares: Admixed American, 0.0017%; no homozygotes.

Submissions (2):

Labcorp Genetics (formerly Invitae), Labcorp
Classification: Uncertain significance for Microcephaly, normal intelligence and immunodeficiency. Last evaluated: 2025-12-21. Review status: criteria provided, single submitter. Criteria: Invitae Variant Classification Sherloc (09022015). Collection method: clinical testing. Allele origin: germline.
Comment: This sequence change replaces glycine, which is neutral and non-polar, with arginine, which is basic and polar, at codon 301 of the NBN protein (p.Gly301Arg). This variant is present in population databases (no rsID available, gnomAD 0.006%). This variant has not been reported in the literature in individuals affected with NBN-related conditions. ClinVar contains an entry for this variant (Variation ID: 530746). An algorithm developed to predict the effect of missense changes on protein structure and function (PolyPhen-2) suggests that this variant is likely to be tolerated. In summary, the available evidence is currently insufficient to determine the role of this variant in disease. Therefore, it has been classified as a Variant of Uncertain Significance.

Ambry Genetics
Classification: Uncertain significance for Hereditary cancer-predisposing syndrome. Last evaluated: 2020-11-14. Review status: criteria provided, single submitter. Criteria: Ambry Variant Classification Scheme 2023. Collection method: clinical testing. Allele origin: germline.
Comment: The p.G301R variant (also known as c.901G>C), located in coding exon 8 of the NBN gene, results from a G to C substitution at nucleotide position 901. The glycine at codon 301 is replaced by arginine, an amino acid with dissimilar properties. This alteration was observed in 0/7,051 unselected female breast cancer patients and was observed with an allele frequency of 0.00018 in 11,241 female controls of Japanese ancestry (Momozawa Y et al. Nat Commun, 2018 10;9:4083). This amino acid position is well conserved in available vertebrate species. In addition, this alteration is predicted to be tolerated by in silico analysis. Since supporting evidence is limited at this time, the clinical significance of this alteration remains unclear.

Literature cited by the submitters: PubMed 30287823 (cited by Ambry Genetics).

NM_002485.5(NBN):c.901G>C (p.Gly301Arg)

Gene: NBN (nibrin; minus strand). Cytogenetic location: 8q21.3.
Variant type: single nucleotide variant.
Coding change: c.901G>C on transcript NM_002485.5 (MANE Select); coding-DNA position 901, G replaced by C.
Protein change: p.Gly301Arg; replaces glycine 301 with arginine.
Molecular consequence: missense variant.
Genome position (GRCh38, 1-based): chr8:89,964,503, C>G on the plus strand (G>C on the coding strand, the complement: NBN is on the minus strand). VCF-style: chr8-89964503-C-G. GRCh37 (hg19) VCF-style: chr8-90976731-C-G.
Other names: c.655G>C, p.Gly219Arg (NM_001024688.3); short protein forms G301R, G219R.
Identifiers: ClinVar variation 530746 (VCV000530746.11), dbSNP rs1280333137, ClinGen allele CA371657160.